The following is an entry in ClinVar:

NM_001369387.1(GNAL):c.120G>C (p.Lys40Asn)

Gene: GNAL (G protein subunit alpha L; plus strand). Cytogenetic location: 18p11.21.
Variant type: single nucleotide variant.
Coding change: c.120G>C on transcript NM_001369387.1 (MANE Plus Clinical); coding-DNA position 120, G replaced by C.
Protein change: p.Lys40Asn; replaces lysine 40 with asparagine.
Molecular consequence: missense variant. On other transcripts: intron variant (1).
Genome position (GRCh38, 1-based): chr18:11,752,553, G>C. VCF-style: chr18-11752553-G-C. GRCh37 (hg19) VCF-style: chr18-11752552-G-C.
Other names: c.120G>C, p.Lys40Asn (NM_001142339.3, NM_001261443.2); c.377-300G>C (NM_182978.4); short protein forms K40N.
Identifiers: ClinVar variation 2828653 (VCV002828653.3), dbSNP rs2510259693, ClinGen allele CA401926053.

ClinVar aggregate classification (germline): Uncertain significance (1 of 4 stars; one submission).

Conditions:
Dystonic disorder. Also called: Dystonia. Identifiers: MedGen C0013421, MONDO:0003441, HP:0001332.

Submission:

Labcorp Genetics (formerly Invitae), Labcorp
Classification: Uncertain significance for Dystonic disorder. Last evaluated: 2023-01-15. Review status: criteria provided, single submitter. Criteria: Invitae Variant Classification Sherloc (09022015). Collection method: clinical testing. Allele origin: germline.
Comment: This sequence change replaces lysine, which is basic and polar, with asparagine, which is neutral and polar, at codon 40 of the GNAL protein (p.Lys40Asn). This missense change has been observed in individual(s) with clinical features of GNAL-related conditions (Invitae). This variant is not present in population databases (gnomAD no frequency). Advanced modeling of protein sequence and biophysical properties (such as structural, functional, and spatial information, amino acid conservation, physicochemical variation, residue mobility, and thermodynamic stability) performed at Invitae indicates that this missense variant is not expected to disrupt GNAL protein function. In summary, the available evidence is currently insufficient to determine the role of this variant in disease. Therefore, it has been classified as a Variant of Uncertain Significance.